The following is an entry in ClinVar:

NM_001378120.1(MBD5):c.*12C>A

Gene: MBD5 (methyl-CpG binding domain protein 5; plus strand). Cytogenetic location: 2q23.1.
Variant type: single nucleotide variant.
Coding change: c.*12C>A on transcript NM_001378120.1 (MANE Select); 12 bases downstream of the stop codon, C replaced by A.
Molecular consequence: 3 prime UTR variant.
Genome position (GRCh38, 1-based): chr2:148,512,953, C>A. VCF-style: chr2-148512953-C-A. GRCh37 (hg19) VCF-style: chr2-149270522-C-A.
Other names: c.*12C>A (NM_018328.5).
Identifiers: ClinVar variation 383951 (VCV000383951.1), dbSNP rs755460512, ClinGen allele CA1900564.

ClinVar aggregate classification (germline): Likely benign (1 of 4 stars; one submission).

Allele frequency attached by ClinVar (database versions not stated): gnomAD 0.00001; ExAC 0.00002.
gnomAD v4.1: 46 of 1,609,192 alleles (0.0029%); highest among the groups gnomAD compares: Non-Finnish European, 0.0038%; no homozygotes.

Submission:

GeneDx
Classification: Likely benign. Last evaluated: 2016-02-18. Review status: criteria provided, single submitter. Criteria: GeneDx Variant Classification (06012015). Collection method: clinical testing. Allele origin: germline. Affected: yes.
Comment: This variant is considered likely benign or benign based on one or more of the following criteria: it is a conservative change, it occurs at a poorly conserved position in the protein, it is predicted to be benign by multiple in silico algorithms, and/or has population frequency not consistent with disease.